The following is an entry in ClinVar:

ClinVar aggregate classification (germline): Pathogenic (1 of 4 stars; one submission).

Submission:

Labcorp Genetics (formerly Invitae), Labcorp
Classification: Pathogenic. Last evaluated: 2024-05-16. Review status: criteria provided, single submitter. Criteria: Invitae Variant Classification Sherloc (09022015). Collection method: clinical testing. Allele origin: germline.
Comment: This sequence change creates a premature translational stop signal (p.Gln17*) in the TALDO1 gene. It is expected to result in an absent or disrupted protein product. Loss-of-function variants in TALDO1 are known to be pathogenic (PMID: 23315216, 26238251). This variant is not present in population databases (gnomAD no frequency). This variant has not been reported in the literature in individuals affected with TALDO1-related conditions. For these reasons, this variant has been classified as Pathogenic.

Literature cited by the submitters: PubMed 23315216; PubMed 26238251.

NM_006755.2(TALDO1):c.49C>T (p.Gln17Ter)

Gene: TALDO1 (transaldolase 1; plus strand). Cytogenetic location: 11p15.5.
Variant type: single nucleotide variant.
Coding change: c.49C>T on transcript NM_006755.2 (MANE Select); coding-DNA position 49, C replaced by T.
Protein change: p.Gln17Ter; replaces glutamine 17 with a stop codon.
Molecular consequence: nonsense.
Genome position (GRCh38, 1-based): chr11:747,530, C>T. VCF-style: chr11-747530-C-T. GRCh37 (hg19) VCF-style: chr11-747530-C-T.
Other names: short protein forms Q17*.
Identifiers: ClinVar variation 3653626 (VCV003653626.2).